The following is an entry in ClinVar:

NM_014415.4(ZBTB11):c.2695C>T (p.Arg899Ter)

Gene: ZBTB11 (zinc finger and BTB domain containing 11; minus strand). Cytogenetic location: 3q12.3.
Variant type: single nucleotide variant.
Coding change: c.2695C>T on transcript NM_014415.4 (MANE Select); coding-DNA position 2695, C replaced by T.
Protein change: p.Arg899Ter; replaces arginine 899 with a stop codon.
Molecular consequence: nonsense.
Genome position (GRCh38, 1-based): chr3:101,651,633, G>A on the plus strand (C>T on the coding strand, the complement: ZBTB11 is on the minus strand). VCF-style: chr3-101651633-G-A. GRCh37 (hg19) VCF-style: chr3-101370477-G-A.
Other names: short protein forms R899*.
Identifiers: ClinVar variation 4538374 (VCV004538374.1).

ClinVar aggregate classification (germline): Uncertain significance (1 of 4 stars; one submission).

gnomAD v4.1: 10 of 1,608,246 alleles (0.00062%); highest among the groups gnomAD compares: East Asian, 0.0022%; no homozygotes.

Submission:

Greenwood Genetic Center Diagnostic Laboratories, Greenwood Genetic Center
Classification: Uncertain significance. Last evaluated: 2025-04-21. Review status: criteria provided, single submitter. Criteria: ACMG Guidelines, 2015. Collection method: clinical testing. Allele origin: germline. Affected: yes.
Comment: PM2